The following is an entry in ClinVar:

NM_002103.5(GYS1):c.7_8del (p.Leu3fs)

Gene: GYS1 (glycogen synthase 1; minus strand). Cytogenetic location: 19q13.33.
Variant type: Deletion.
Coding change: c.7_8del on transcript NM_002103.5 (MANE Select); coding-DNA positions 7 to 8, 2 bases deleted (TT; older notation c.7_8delTT).
Protein change: p.Leu3fs; shifts the reading frame from leucine 3.
Molecular consequence: frameshift variant. On other transcripts: non-coding transcript variant (1).
Genome position (GRCh38, 1-based): chr19:48,993,105-48,993,106, AA deleted on the plus strand (TT on the coding strand, the reverse complement: GYS1 is on the minus strand); deleting any 2 consecutive bases within chr19:48,993,105-48,993,107 gives the same sequence; the c. name uses the placement nearest the transcript's 3' end. VCF-style (leftmost placement, unchanged base first): chr19-48993104-TAA-T. GRCh37 (hg19) VCF-style: chr19-49496361-TAA-T.
Other names: c.7_8del, p.Leu3fs (NM_001161587.2); short protein forms L3fs.
Identifiers: ClinVar variation 2146827 (VCV002146827.4), dbSNP rs776493768, ClinGen allele CA309405610.

ClinVar aggregate classification (germline): Pathogenic (1 of 4 stars; one submission).

Conditions:
Glycogen storage disease due to muscle and heart glycogen synthase deficiency. Also called: GSD 0b; MUSCLE GLYCOGEN SYNTHASE DEFICIENCY. Identifiers: Orphanet 137625, MedGen C1969054, MONDO:0012693, OMIM 611556.

Submission:

Labcorp Genetics (formerly Invitae), Labcorp
Classification: Pathogenic for Glycogen storage disease due to muscle and heart glycogen synthase deficiency. Last evaluated: 2025-03-04. Review status: criteria provided, single submitter. Criteria: Invitae Variant Classification Sherloc (09022015). Collection method: clinical testing. Allele origin: germline.
Comment: This sequence change creates a premature translational stop signal (p.Leu3Lysfs*18) in the GYS1 gene. It is expected to result in an absent or disrupted protein product. Loss-of-function variants in GYS1 are known to be pathogenic (PMID: 17928598, 19699667). This variant is present in population databases (rs776493768, gnomAD 0.0009%). This variant has not been reported in the literature in individuals affected with GYS1-related conditions. ClinVar contains an entry for this variant (Variation ID: 2146827). For these reasons, this variant has been classified as Pathogenic.

Literature cited by the submitters: PubMed 17928598; PubMed 19699667.